The following is an entry in ClinVar:

NC_000010.11:g.133373369G>A

Genes: ECHS1 (enoyl-CoA hydratase, short chain 1; minus strand), LOC130005023 (ATAC-STARR-seq lymphoblastoid silent region 2977; plus strand). Cytogenetic location: 10q26.3.
Variant type: single nucleotide variant.
Genome position: GRCh38 VCF-style: chr10-133373369-G-A. GRCh37 (hg19) VCF-style: chr10-135186873-G-A.
Identifiers: ClinVar variation 1193392 (VCV001193392.3), dbSNP rs747670108, ClinGen allele CA5765928.
Genomic context (GRCh38, chr10:133,373,369, plus strand): 5'-ACAGCAGGACACGCAGGGCGGCCATGGCTCTCTGGACTCCTCGCCCGGCCCCGCGGAGCC[G>A]CCCCCTCGCCTATAGCCTTTCAGGGCTCGCTCCGCCCACAGGCCAGCGCCGCGAGACCAG-3'

ClinVar aggregate classification (germline): Uncertain significance (1 of 4 stars; one submission).

Allele frequency attached by ClinVar (database versions not stated): gnomAD exomes 0.00004; TOPMed 0.00012.

Submission:

GeneDx
Classification: Uncertain significance. Last evaluated: 2021-06-23. Review status: criteria provided, single submitter. Criteria: GeneDx Variant Classification Process June 2021. Collection method: clinical testing. Allele origin: germline. Affected: yes.
Comment: Has not been previously published as pathogenic or benign to our knowledge; Located in a region that tolerates variation and lacks pathogenic variants; This variant is associated with the following publications: (PMID: 27535533)